The following is an entry in ClinVar:

NM_005633.4(SOS1):c.2167+1G>A

Gene: SOS1 (SOS Ras/Rac guanine nucleotide exchange factor 1; minus strand). Cytogenetic location: 2p22.1.
Variant type: single nucleotide variant.
Coding change: c.2167+1G>A on transcript NM_005633.4 (MANE Select); the canonical splice donor site of the intron after coding-DNA position 2167, G replaced by A.
Molecular consequence: splice donor variant.
Genome position (GRCh38, 1-based): chr2:39,013,459, C>T on the plus strand (G>A on the coding strand, the complement: SOS1 is on the minus strand). VCF-style: chr2-39013459-C-T. GRCh37 (hg19) VCF-style: chr2-39240600-C-T.
Other names: c.2146+1G>A (NM_001382394.1); c.2167+1G>A (NM_001382395.1).
Identifiers: ClinVar variation 577839 (VCV000577839.9), dbSNP rs1558469557, ClinGen allele CA346364499.
Genomic context (GRCh38, chr2:39,013,459, plus strand): 5'-TAGTCACCGTGTTGGTACTTTTATTACATATAAAACTAGGCACCTAAAAAAAAAAACATA[C>T]CTCTTACTGTTCCAATAAATTCTTCCATTCGTTGCAAAAGATATGCATCTCTTTCAAAAT-3'

ClinVar aggregate classification (germline): Uncertain significance (1 of 4 stars; one submission).

Conditions:
RASopathy. Also called: rasopathies; Noonan spectrum disorder. Identifiers: Orphanet 536391, MedGen C5555857, MONDO:0021060.

Submission:

Labcorp Genetics (formerly Invitae), Labcorp
Classification: Uncertain significance for RASopathy. Last evaluated: 2019-06-22. Review status: criteria provided, single submitter. Criteria: Invitae Variant Classification Sherloc (09022015). Collection method: clinical testing. Allele origin: germline.
Comment: This sequence change affects a donor splice site in intron 13 of the SOS1 gene. It is expected to disrupt RNA splicing and likely results in an absent or disrupted protein product. This variant is not present in population databases (ExAC no frequency). This variant has not been reported in the literature in individuals with SOS1-related disease. Algorithms developed to predict the effect of sequence changes on RNA splicing suggest that this variant may disrupt the consensus splice site, but this prediction has not been confirmed by published transcriptional studies. The current clinical and genetic evidence is not sufficient to establish whether loss-of-function variants in SOS1 cause disease. In summary, the available evidence is currently insufficient to determine the role of this variant in disease. Therefore, it has been classified as a Variant of Uncertain Significance.